The following is an entry in ClinVar:

ClinVar aggregate classification (germline): Conflicting classifications of pathogenicity. Review status: criteria provided, conflicting classifications (1 of 4 stars). 2 submissions from 2 submitters: Uncertain significance (1); Likely benign (1). Last evaluated 2018-01-13.

Conditions:
Glycogen storage disease IXc (GSD9C). Also called: GSD IXc. Identifiers: Orphanet 264580, MedGen C2751643, MONDO:0013091, OMIM 613027.

Allele frequency attached by ClinVar (database versions not stated): 1000 Genomes Project 30x 0.00031; TOPMed 0.00068; gnomAD 0.00070.
gnomAD v4.1: 294 of 372,580 alleles (0.079%); highest among the groups gnomAD compares: Non-Finnish European, 0.11%; 1 homozygote.

Submissions (2):

Illumina Laboratory Services, Illumina
Classification: Uncertain significance for Glycogen storage disease IXc. Last evaluated: 2018-01-13. Review status: criteria provided, single submitter. Criteria: ICSL Variant Classification Criteria 13 December 2019. Collection method: clinical testing. Allele origin: germline.

GeneDx
Classification: Likely benign. Last evaluated: 2018-01-11. Review status: criteria provided, single submitter. Criteria: GeneDx Variant Classification (06012015). Collection method: clinical testing. Allele origin: germline. Affected: yes.
Comment: This variant is considered likely benign or benign based on one or more of the following criteria: it is a conservative change, it occurs at a poorly conserved position in the protein, it is predicted to be benign by multiple in silico algorithms, and/or has population frequency not consistent with disease.

NM_000294.3(PHKG2):c.-28G>T

Gene: PHKG2 (phosphorylase kinase catalytic subunit gamma 2; plus strand). Cytogenetic location: 16p11.2.
Variant type: single nucleotide variant.
Coding change: c.-28G>T on transcript NM_000294.3 (MANE Select); 28 bases upstream of the start codon, G replaced by T.
Molecular consequence: 5 prime UTR variant.
Genome position (GRCh38, 1-based): chr16:30,748,481, G>T. VCF-style: chr16-30748481-G-T. GRCh37 (hg19) VCF-style: chr16-30759802-G-T.
Other names: c.-28G>T (NM_001172432.2).
Identifiers: ClinVar variation 318930 (VCV000318930.5), dbSNP rs556945561, ClinGen allele CA10643463.